The following is an entry in ClinVar:

NM_007194.4(CHEK2):c.1181A>C (p.Glu394Ala)

Gene: CHEK2 (checkpoint kinase 2; minus strand). Cytogenetic location: 22q12.1.
Variant type: single nucleotide variant.
Coding change: c.1181A>C on transcript NM_007194.4 (MANE Select); coding-DNA position 1181, A replaced by C.
Protein change: p.Glu394Ala; replaces glutamic acid 394 with alanine.
Molecular consequence: missense variant.
Genome position (GRCh38, 1-based): chr22:28,695,788, T>G on the plus strand (A>C on the coding strand, the complement: CHEK2 is on the minus strand). VCF-style: chr22-28695788-T-G. GRCh37 (hg19) VCF-style: chr22-29091776-T-G.
Other names: c.1310A>C, p.Glu437Ala (NM_001005735.3); c.518A>C, p.Glu173Ala (NM_001257387.3); c.980A>C, p.Glu327Ala (NM_001349956.3); c.1094A>C, p.Glu365Ala (NM_145862.3); short protein forms E173A, E327A, E437A, E365A, E394A.
Identifiers: ClinVar variation 1742250 (VCV001742250.4), dbSNP rs2145804012, ClinGen allele CA411096809.

ClinVar aggregate classification (germline): Uncertain significance. Review status: criteria provided, multiple submitters, no conflicts (2 of 4 stars). 2 submissions from 2 submitters: Uncertain significance (2). Last evaluated 2025-01-23.

Conditions:
Hereditary cancer-predisposing syndrome. Also called: Hereditary Cancer Syndrome; Hereditary neoplastic syndrome; Neoplastic Syndromes, Hereditary; Tumor predisposition. Identifiers: Orphanet 140162, MedGen C0027672, MeSH D009386, MONDO:0015356.
Familial cancer of breast. Also called: Hereditary breast cancer; BREAST CANCER, FAMILIAL; hereditary breast carcinoma. Identifiers: Orphanet 227535, MedGen C0346153, MONDO:0016419, OMIM 114480. Disease mechanism: loss of function.

Submissions (2):

Labcorp Genetics (formerly Invitae), Labcorp
Classification: Uncertain significance for Familial cancer of breast. Last evaluated: 2025-01-23. Review status: criteria provided, single submitter. Criteria: Invitae Variant Classification Sherloc (09022015). Collection method: clinical testing. Allele origin: germline.
Comment: This sequence change replaces glutamic acid, which is acidic and polar, with alanine, which is neutral and non-polar, at codon 394 of the CHEK2 protein (p.Glu394Ala). This variant is not present in population databases (gnomAD no frequency). This variant has not been reported in the literature in individuals affected with CHEK2-related conditions. ClinVar contains an entry for this variant (Variation ID: 1742250). An algorithm developed to predict the effect of missense changes on protein structure and function (PolyPhen-2) suggests that this variant is likely to be disruptive. In summary, the available evidence is currently insufficient to determine the role of this variant in disease. Therefore, it has been classified as a Variant of Uncertain Significance.

Ambry Genetics
Classification: Uncertain significance for Hereditary cancer-predisposing syndrome. Last evaluated: 2019-09-12. Review status: criteria provided, single submitter. Criteria: Ambry Variant Classification Scheme 2023. Collection method: clinical testing. Allele origin: germline.
Comment: The p.E394A variant (also known as c.1181A>C), located in coding exon 10 of the CHEK2 gene, results from an A to C substitution at nucleotide position 1181. The glutamic acid at codon 394 is replaced by alanine, an amino acid with dissimilar properties. This amino acid position is highly conserved in available vertebrate species. In addition, this alteration is predicted to be deleterious by in silico analysis. Since supporting evidence is limited at this time, the clinical significance of this alteration remains unclear.